The following is an entry in ClinVar:

ClinVar aggregate classification (germline): Conflicting classifications of pathogenicity. Review status: criteria provided, conflicting classifications (1 of 4 stars). 3 submissions from 2 submitters: Uncertain significance (1); Benign (1); Likely benign (1). Last evaluated 2023-10-11.

Conditions:
Autosomal recessive ataxia, Beauce type. Also called: SYNE1 Deficiency; SYNE1-Related Autosomal Recessive Cerebellar Ataxia; Spinocerebellar ataxia, autosomal recessive 8; ATAXIA, RECESSIVE, OF BEAUCE. Identifiers: Orphanet 88644, MedGen C1853116, MONDO:0012549, OMIM 610743.
Emery-Dreifuss muscular dystrophy 4, autosomal dominant (EDMD4). Also called: EMERY-DREIFUSS MUSCULAR DYSTROPHY 4 WITH VARIABLE FEATURES. Identifiers: Orphanet 261, MedGen C2751807, MONDO:0013071, OMIM 612998.

Allele frequency attached by ClinVar (database versions not stated): gnomAD exomes 0.00001 and 0.00003; TOPMed 0.00002; gnomAD 0.00003; ExAC 0.00004; ESP Exome Variant Server 0.00008; 1000 Genomes Project 0.00020; 1000 Genomes Project 30x 0.00031.

Submissions (3):

Labcorp Genetics (formerly Invitae), Labcorp
Classification: Likely benign for Emery-Dreifuss muscular dystrophy 4, autosomal dominant; Autosomal recessive ataxia, Beauce type. Last evaluated: 2023-10-11. Review status: criteria provided, single submitter. Criteria: Invitae Variant Classification Sherloc (09022015). Collection method: clinical testing. Allele origin: germline.

Illumina Laboratory Services, Illumina
Classification: Benign for Emery-Dreifuss muscular dystrophy 4, autosomal dominant. Last evaluated: 2018-01-12. Review status: criteria provided, single submitter. Criteria: ICSL Variant Classification Criteria 13 December 2019. Collection method: clinical testing. Allele origin: germline.
Comment: This variant was observed in the ICSL laboratory as part of a predisposition screen in an ostensibly healthy population. It had not been previously curated by ICSL or reported in the Human Gene Mutation Database (HGMD: prior to June 1st, 2018), and was therefore a candidate for classification through an automated scoring system. Utilizing variant allele frequency, disease prevalence and penetrance estimates, and inheritance mode, an automated score was calculated to assess if this variant is too frequent to cause the disease. Based on the score and internal cut-off values, a variant classified as benign is not then subjected to further curation. The score for this variant resulted in a classification of benign for this disease.

Illumina Laboratory Services, Illumina
Classification: Uncertain significance for Autosomal recessive ataxia, Beauce type. Last evaluated: 2018-01-12. Review status: criteria provided, single submitter. Criteria: ICSL Variant Classification Criteria 13 December 2019. Collection method: clinical testing. Allele origin: germline.

NM_182961.4(SYNE1):c.24162G>A (p.Thr8054=)

Gene: SYNE1 (spectrin repeat containing nuclear envelope protein 1; minus strand). Cytogenetic location: 6q25.2.
Variant type: single nucleotide variant.
Coding change: c.24162G>A on transcript NM_182961.4 (MANE Select); coding-DNA position 24162, G replaced by A.
Protein change: p.Thr8054=; no amino-acid change (threonine 8054 retained).
Molecular consequence: synonymous variant.
Genome position (GRCh38, 1-based): chr6:152,152,109, C>T on the plus strand (G>A on the coding strand, the complement: SYNE1 is on the minus strand). VCF-style: chr6-152152109-C-T. GRCh37 (hg19) VCF-style: chr6-152473244-C-T.
Other names: c.768G>A, p.Thr256= (NM_001347701.2); c.627G>A, p.Thr209= (NM_001347702.2); c.23949G>A, p.Thr7983= (NM_033071.5).
Identifiers: ClinVar variation 355814 (VCV000355814.13), dbSNP rs185088779, ClinGen allele CA4053243.